The following is an entry in ClinVar:

ClinVar aggregate classification (germline): Uncertain significance (1 of 4 stars; one submission).

Conditions:
Immunodeficiency 67. Also called: Immunodeficiency due to interleukin-1 receptor-associated kinase-4 deficiency. Identifiers: Orphanet 70592, MedGen C1843256, MONDO:0011888, OMIM 607676.

Allele frequency attached by ClinVar (database versions not stated): gnomAD exomes below 0.00001; ExAC 0.00001; gnomAD 0.00001.
gnomAD v4.1: 6 of 1,613,516 alleles (0.00037%); highest among the groups gnomAD compares: South Asian, 0.0022%; no homozygotes.

Submission:

Labcorp Genetics (formerly Invitae), Labcorp
Classification: Uncertain significance for Immunodeficiency 67. Last evaluated: 2023-01-22. Review status: criteria provided, single submitter. Criteria: Invitae Variant Classification Sherloc (09022015). Collection method: clinical testing. Allele origin: germline.
Comment: In summary, the available evidence is currently insufficient to determine the role of this variant in disease. Therefore, it has been classified as a Variant of Uncertain Significance. Advanced modeling of protein sequence and biophysical properties (such as structural, functional, and spatial information, amino acid conservation, physicochemical variation, residue mobility, and thermodynamic stability) performed at Invitae indicates that this missense variant is not expected to disrupt IRAK4 protein function. This variant has not been reported in the literature in individuals affected with IRAK4-related conditions. This variant is present in population databases (rs766433748, gnomAD 0.003%). This sequence change replaces lysine, which is basic and polar, with glutamic acid, which is acidic and polar, at codon 115 of the IRAK4 protein (p.Lys115Glu).

NM_016123.4(IRAK4):c.343A>G (p.Lys115Glu)

Gene: IRAK4 (interleukin 1 receptor associated kinase 4; plus strand). Cytogenetic location: 12q12.
Variant type: single nucleotide variant.
Coding change: c.343A>G on transcript NM_016123.4 (MANE Select); coding-DNA position 343, A replaced by G.
Protein change: p.Lys115Glu; replaces lysine 115 with glutamic acid.
Molecular consequence: missense variant. On other transcripts: 5 prime UTR variant (10).
Genome position (GRCh38, 1-based): chr12:43,772,215, A>G. VCF-style: chr12-43772215-A-G. GRCh37 (hg19) VCF-style: chr12-44166018-A-G.
Other names: c.343A>G, p.Lys115Glu (NM_001114182.3, NM_001351345.2); c.-30A>G (NM_001145256.2, NM_001145257.2, NM_001145258.2 and 5 more transcripts); c.-181A>G (NM_001351343.2, NM_001351344.2); short protein forms K115E.
Identifiers: ClinVar variation 1978502 (VCV001978502.3), dbSNP rs766433748, ClinGen allele CA6522345.